The following is an entry in ClinVar:

NM_000218.3(KCNQ1):c.1514+37348_1514+37372del

Genes: KCNQ1 (potassium voltage-gated channel subfamily Q member 1; plus strand), KCNQ1OT1 (KCNQ1 opposite strand/antisense transcript 1; minus strand). Cytogenetic location: 11p15.5.
Variant type: Deletion.
Coding change: c.1514+37348_1514+37372del on transcript NM_000218.3 (MANE Select); bases 37348 to 37372 of the intron after coding-DNA position 1514, 25 bases deleted (AGTCTGGGAGAACCGCACTGAGGAG).
Molecular consequence: intron variant. On other transcripts: non-coding transcript variant (1).
Genome position (GRCh38, 1-based): chr11:2,699,429-2,699,453, AGTCTGGGAGAACCGCACTGAGGAG deleted; deleting any 25 consecutive bases within chr11:2,699,421-2,699,453 gives the same sequence; the c. name uses the placement nearest the transcript's 3' end. VCF-style (leftmost placement, unchanged base first): chr11-2699420-GCTGAGGAGAGTCTGGGAGAACCGCA-G. GRCh37 (hg19) VCF-style: chr11-2720650-GCTGAGGAGAGTCTGGGAGAACCGCA-G.
Other names: c.1244+37348_1244+37372del (NM_001406837.1); c.1418+37348_1418+37372del (NM_001406836.1); c.974+37348_974+37372del (NM_001406838.1); c.1133+37348_1133+37372del (NM_181798.2).
Identifiers: ClinVar variation 3771753 (VCV003771753.13).
Genomic context (GRCh38, chr11:2,699,420, plus strand): 5'-CGTCCGCCCAGGTCCGTGCTGACCGTGTTCAAACCCTCCCAGAGAGATGGGGAGGGCCGC[GCTGAGGAGAGTCTGGGAGAACCGCA>G]CTGAGGAGCCGCCGGGAGAGTGCCGCGCTGAGGAGCCCCCGGGGAGAGTGCCGCGCTGAG-3'

ClinVar aggregate classification (germline): Likely benign (1 of 4 stars; one submission).

Submission:

CeGaT Center for Human Genetics Tuebingen
Classification: Likely benign. Last evaluated: 2026-06-01. Review status: criteria provided, single submitter. Criteria: CeGaT Center For Human Genetics Tuebingen Variant Classification Criteria Version 2. Collection method: clinical testing. Allele origin: germline. Affected: yes. Observed: 2 variant alleles.
Comment: KCNQ1OT1: BS2